The following is an entry in ClinVar:

NM_001737.5(C9):c.1228G>C (p.Glu410Gln)

Gene: C9 (complement C9; minus strand). Cytogenetic location: 5p13.1.
Variant type: single nucleotide variant.
Coding change: c.1228G>C on transcript NM_001737.5 (MANE Select); coding-DNA position 1228, G replaced by C.
Protein change: p.Glu410Gln; replaces glutamic acid 410 with glutamine.
Molecular consequence: missense variant.
Genome position (GRCh38, 1-based): chr5:39,308,242, C>G on the plus strand (G>C on the coding strand, the complement: C9 is on the minus strand). VCF-style: chr5-39308242-C-G. GRCh37 (hg19) VCF-style: chr5-39308344-C-G.
Other names: short protein forms E410Q.
Identifiers: ClinVar variation 1489009 (VCV001489009.6), dbSNP rs775963620, ClinGen allele CA359554159.

ClinVar aggregate classification (germline): Uncertain significance (1 of 4 stars; one submission).

gnomAD v4.1: 6 of 1,613,276 alleles (0.00037%); highest among the groups gnomAD compares: Non-Finnish European, 0.00051%; no homozygotes.

Submission:

Labcorp Genetics (formerly Invitae), Labcorp
Classification: Uncertain significance. Last evaluated: 2020-11-26. Review status: criteria provided, single submitter. Criteria: Invitae Variant Classification Sherloc (09022015). Collection method: clinical testing. Allele origin: germline.
Comment: This sequence change replaces glutamic acid with glutamine at codon 410 of the C9 protein (p.Glu410Gln). The glutamic acid residue is weakly conserved and there is a small physicochemical difference between glutamic acid and glutamine. This variant is not present in population databases (ExAC no frequency). This variant has not been reported in the literature in individuals with C9-related conditions. Algorithms developed to predict the effect of missense changes on protein structure and function are either unavailable or do not agree on the potential impact of this missense change (SIFT: "Not Available"; PolyPhen-2: "Benign"; Align-GVGD: "Not Available"). In summary, the available evidence is currently insufficient to determine the role of this variant in disease. Therefore, it has been classified as a Variant of Uncertain Significance.